The following is an entry in ClinVar:

ClinVar aggregate classification (germline): Uncertain significance. Review status: criteria provided, multiple submitters, no conflicts (2 of 4 stars). 2 submissions from 2 submitters: Uncertain significance (2). Last evaluated 2025-04-25.

Conditions:
Inborn genetic diseases. Identifiers: MedGen C0950123, MeSH D030342.
Acyl-CoA oxidase deficiency. Also called: STRAIGHT-CHAIN ACYL-CoA OXIDASE DEFICIENCY; Pseudoneonatal adrenoleukodystrophy; Peroxisomal acyl-CoA oxidase deficiency. Identifiers: Orphanet 2971, MedGen C1849678, MONDO:0009919, OMIM 264470. Disease mechanism: loss of function.

Allele frequency attached by ClinVar (database versions not stated): ExAC 0.00001; gnomAD exomes 0.00001; TOPMed 0.00001; gnomAD 0.00004; 1000 Genomes Project 30x 0.00016; 1000 Genomes Project 0.00020.
gnomAD v4.1: 19 of 1,614,178 alleles (0.0012%); highest among the groups gnomAD compares: African/African-American, 0.024%; no homozygotes.

Submissions (2):

Ambry Genetics
Classification: Uncertain significance for Inborn genetic diseases. Last evaluated: 2025-04-25. Review status: criteria provided, single submitter. Criteria: Ambry Variant Classification Scheme 2023. Collection method: clinical testing. Allele origin: germline.

Labcorp Genetics (formerly Invitae), Labcorp
Classification: Uncertain significance for Acyl-CoA oxidase deficiency. Last evaluated: 2022-06-09. Review status: criteria provided, single submitter. Criteria: Invitae Variant Classification Sherloc (09022015). Collection method: clinical testing. Allele origin: germline.
Comment: This sequence change replaces serine, which is neutral and polar, with asparagine, which is neutral and polar, at codon 270 of the ACOX1 protein (p.Ser270Asn). This variant is present in population databases (rs562126644, gnomAD 0.02%). This variant has not been reported in the literature in individuals affected with ACOX1-related conditions. Algorithms developed to predict the effect of missense changes on protein structure and function output the following: SIFT: "Tolerated"; PolyPhen-2: "Benign"; Align-GVGD: "Class C0". The asparagine amino acid residue is found in multiple mammalian species, which suggests that this missense change does not adversely affect protein function. In summary, the available evidence is currently insufficient to determine the role of this variant in disease. Therefore, it has been classified as a Variant of Uncertain Significance.

NM_004035.7(ACOX1):c.809G>A (p.Ser270Asn)

Gene: ACOX1 (acyl-CoA oxidase 1; minus strand). Cytogenetic location: 17q25.1.
Variant type: single nucleotide variant.
Coding change: c.809G>A on transcript NM_004035.7 (MANE Select); coding-DNA position 809, G replaced by A.
Protein change: p.Ser270Asn; replaces serine 270 with asparagine.
Molecular consequence: missense variant.
Genome position (GRCh38, 1-based): chr17:75,953,586, C>T on the plus strand (G>A on the coding strand, the complement: ACOX1 is on the minus strand). VCF-style: chr17-75953586-C-T. GRCh37 (hg19) VCF-style: chr17-73949667-C-T.
Other names: c.695G>A, p.Ser232Asn (NM_001185039.2); c.809G>A, p.Ser270Asn (NM_007292.6); c.809G>A (NM_004035.6); short protein forms S232N, S270N.
Identifiers: ClinVar variation 2075105 (VCV002075105.2), dbSNP rs562126644, ClinGen allele CA8776910.